The following is an entry in ClinVar:

NM_003742.4(ABCB11):c.849A>C (p.Glu283Asp)

Gene: ABCB11 (ATP binding cassette subfamily B member 11; minus strand). Cytogenetic location: 2q31.1.
Variant type: single nucleotide variant.
Coding change: c.849A>C on transcript NM_003742.4 (MANE Select); coding-DNA position 849, A replaced by C.
Protein change: p.Glu283Asp; replaces glutamic acid 283 with aspartic acid.
Molecular consequence: missense variant.
Genome position (GRCh38, 1-based): chr2:168,990,860, T>G on the plus strand (A>C on the coding strand, the complement: ABCB11 is on the minus strand). VCF-style: chr2-168990860-T-G. GRCh37 (hg19) VCF-style: chr2-169847370-T-G.
Other names: short protein forms E283D.
Identifiers: ClinVar variation 4845984 (VCV004845984.1).
Genomic context (GRCh38, chr2:168,990,860, plus strand): 5'-CCTTTCAACCTCTCTTTTCTCACCACCAAAAGCAGCCACTGTTCTCATTGATGAAATGAC[T>G]TCATCAGCCACCACCCCTGCTTTGGCATAGGCCTTCAGCTCATAGTCCGTAAACTTGGAC-3'
Protein context (NP_003733.2, residues 273-293): AYAKAGVVAD[Glu283Asp]VISSMRTVAA

ClinVar aggregate classification (germline): Uncertain significance (1 of 4 stars; one submission).

Conditions:
Familial intrahepatic cholestasis. Identifiers: Orphanet 284385, MedGen CN296401, MONDO:0017290.

Submission:

Genomenon, Inc
Classification: Uncertain significance for Familial intrahepatic cholestasis. Last evaluated: 2026-04-14. Review status: criteria provided, single submitter. Criteria: Genomenon Sequence Variant Interpretation Standards - Updated. Collection method: curation. Allele origin: germline. Affected: yes.
Comment: ABCB11 p.Glu283Asp (c.849A>C) is a missense variant that changes the amino acid at residue 283 from Glutamic acid to Aspartic acid. This variant has been observed in at least one proband with an ABCB11-related disorder (PMID:26382629;32808743). It is absent or not present at a significant frequency in gnomAD. In silico models predict that this variant is possibly or probably damaging. In conclusion, we classify ABCB11 p.Glu283Asp (c.849A>C) as a variant of uncertain significance.

Literature cited by the submitters: PubMed 26382629; PubMed 32808743.